The following is an entry in ClinVar:

NM_001918.5(DBT):c.538C>G (p.Leu180Val)

Gene: DBT (dihydrolipoamide branched chain transacylase E2; minus strand). Cytogenetic location: 1p21.2.
Variant type: single nucleotide variant.
Coding change: c.538C>G on transcript NM_001918.5 (MANE Select); coding-DNA position 538, C replaced by G.
Protein change: p.Leu180Val; replaces leucine 180 with valine.
Molecular consequence: missense variant.
Genome position (GRCh38, 1-based): chr1:100,218,643, G>C on the plus strand (C>G on the coding strand, the complement: DBT is on the minus strand). VCF-style: chr1-100218643-G-C. GRCh37 (hg19) VCF-style: chr1-100684199-G-C.
Other names: short protein forms L180V.
Identifiers: ClinVar variation 1472064 (VCV001472064.8), dbSNP rs2100804291, ClinGen allele CA341340483.

ClinVar aggregate classification (germline): Uncertain significance (1 of 4 stars; one submission).

Conditions:
Maple syrup urine disease (MSUD). Identifiers: Orphanet 511, MedGen C0024776, MeSH D008375, MONDO:0009563. Disease mechanism: loss of function.

Submission:

Labcorp Genetics (formerly Invitae), Labcorp
Classification: Uncertain significance for Maple syrup urine disease. Last evaluated: 2021-07-12. Review status: criteria provided, single submitter. Criteria: Invitae Variant Classification Sherloc (09022015). Collection method: clinical testing. Allele origin: germline.
Comment: Advanced modeling of protein sequence and biophysical properties (such as structural, functional, and spatial information, amino acid conservation, physicochemical variation, residue mobility, and thermodynamic stability) performed at Invitae indicates that this missense variant is not expected to disrupt DBT protein function. In summary, the available evidence is currently insufficient to determine the role of this variant in disease. Therefore, it has been classified as a Variant of Uncertain Significance. This variant has not been reported in the literature in individuals affected with DBT-related conditions. This sequence change replaces leucine with valine at codon 180 of the DBT protein (p.Leu180Val). The leucine residue is highly conserved and there is a small physicochemical difference between leucine and valine. This variant is not present in population databases (ExAC no frequency).